The following is an entry in ClinVar:

ClinVar aggregate classification (germline): Uncertain significance (1 of 4 stars; one submission).

Conditions:
RYR1-related disorder. Also called: RYR1-related condition; RYR1-related disorders. Identifiers: MedGen CN239331.

Submission:

Labcorp Genetics (formerly Invitae), Labcorp
Classification: Uncertain significance for RYR1-related disorder. Last evaluated: 2022-08-09. Review status: criteria provided, single submitter. Criteria: Invitae Variant Classification Sherloc (09022015). Collection method: clinical testing. Allele origin: germline.
Comment: Advanced modeling of protein sequence and biophysical properties (such as structural, functional, and spatial information, amino acid conservation, physicochemical variation, residue mobility, and thermodynamic stability) performed at Invitae indicates that this missense variant is not expected to disrupt RYR1 protein function. In summary, the available evidence is currently insufficient to determine the role of this variant in disease. Therefore, it has been classified as a Variant of Uncertain Significance. ClinVar contains an entry for this variant (Variation ID: 1374458). This variant has not been reported in the literature in individuals affected with RYR1-related conditions. This variant is not present in population databases (gnomAD no frequency). This sequence change replaces lysine, which is basic and polar, with arginine, which is basic and polar, at codon 3495 of the RYR1 protein (p.Lys3495Arg).

NM_000540.3(RYR1):c.10484A>G (p.Lys3495Arg)

Gene: RYR1 (ryanodine receptor 1; plus strand). Cytogenetic location: 19q13.2.
Variant type: single nucleotide variant.
Coding change: c.10484A>G on transcript NM_000540.3 (MANE Select); coding-DNA position 10484, A replaced by G.
Protein change: p.Lys3495Arg; replaces lysine 3495 with arginine.
Molecular consequence: missense variant.
Genome position (GRCh38, 1-based): chr19:38,525,360, A>G. VCF-style: chr19-38525360-A-G. GRCh37 (hg19) VCF-style: chr19-39016000-A-G.
Other names: c.10469A>G, p.Lys3490Arg (NM_001042723.2); short protein forms K3495R, K3490R.
Identifiers: ClinVar variation 1374458 (VCV001374458.6), dbSNP rs2145711633, ClinGen allele CA405643481.
Genomic context (GRCh38, chr19:38,525,360, plus strand): 5'-TTGGGCTGGTGCTGAGCCCTGTGTCCCCACAGTCCGGTGGCTCGGACCAGGAACGCACCA[A>G]GAAGAAGCGCCGGGGGGACCGGTACTCTGTGCAGACGTCACTGATCGTGGCCACACTGAA-3'
Protein context (NP_000531.2, residues 3485-3505): QSGGSDQERT[Lys3495Arg]KKRRGDRYSV